The following is an entry in ClinVar:

ClinVar aggregate classification (germline): Uncertain significance (1 of 4 stars; one submission).

Conditions:
Gorlin syndrome. Also called: Basal cell nevus syndrome; Nevoid Basal Cell Carcinoma Syndrome. Identifiers: Orphanet 377, MedGen C0004779, MONDO:0007187.

Submission:

Labcorp Genetics (formerly Invitae), Labcorp
Classification: Uncertain significance for Gorlin syndrome. Last evaluated: 2021-01-07. Review status: criteria provided, single submitter. Criteria: Invitae Variant Classification Sherloc (09022015). Collection method: clinical testing. Allele origin: germline.
Comment: Advanced modeling of protein sequence and biophysical properties (such as structural, functional, and spatial information, amino acid conservation, physicochemical variation, residue mobility, and thermodynamic stability) performed at Invitae indicates that this missense variant is not expected to disrupt PTCH1 protein function. This sequence change replaces lysine with glutamine at codon 904 of the PTCH1 protein (p.Lys904Gln). The lysine residue is moderately conserved and there is a small physicochemical difference between lysine and glutamine. This variant is not present in population databases (ExAC no frequency). This variant has not been reported in the literature in individuals with PTCH1-related conditions. In summary, the available evidence is currently insufficient to determine the role of this variant in disease. Therefore, it has been classified as a Variant of Uncertain Significance.

NM_000264.5(PTCH1):c.2710A>C (p.Lys904Gln)

Gene: PTCH1 (patched 1; minus strand). Cytogenetic location: 9q22.32.
Variant type: single nucleotide variant.
Coding change: c.2710A>C on transcript NM_000264.5 (MANE Select); coding-DNA position 2710, A replaced by C.
Protein change: p.Lys904Gln; replaces lysine 904 with glutamine.
Molecular consequence: missense variant. On other transcripts: non-coding transcript variant (1).
Genome position (GRCh38, 1-based): chr9:95,459,777, T>G on the plus strand (A>C on the coding strand, the complement: PTCH1 is on the minus strand). VCF-style: chr9-95459777-T-G. GRCh37 (hg19) VCF-style: chr9-98222059-T-G.
Other names: c.2257A>C, p.Lys753Gln (NM_001083605.3, NM_001083606.3, NM_001083607.3 and 1 more transcripts); c.2554A>C, p.Lys852Gln (NM_001354918.2); c.2512A>C, p.Lys838Gln (NM_001083602.3); c.2707A>C, p.Lys903Gln (NM_001083603.3); short protein forms K852Q, K753Q, K838Q, K903Q, K904Q.
Identifiers: ClinVar variation 1431158 (VCV001431158.8), dbSNP rs2136673392, ClinGen allele CA374113250.